The following is an entry in ClinVar:

ClinVar aggregate classification (germline): Uncertain significance (1 of 4 stars; one submission).

Conditions:
Hereditary cancer-predisposing syndrome. Also called: Neoplastic Syndromes, Hereditary; Tumor predisposition; Hereditary Cancer Syndrome; Hereditary neoplastic syndrome. Identifiers: Orphanet 140162, MedGen C0027672, MeSH D009386, MONDO:0015356.

Submission:

Ambry Genetics
Classification: Uncertain significance for Hereditary cancer-predisposing syndrome. Last evaluated: 2026-01-18. Review status: criteria provided, single submitter. Criteria: Ambry Variant Classification Scheme 2023. Collection method: clinical testing. Allele origin: germline.
Comment: The p.K388T variant (also known as c.1163A>C), located in coding exon 9 of the STK11 gene, results from an A to C substitution at nucleotide position 1163. The lysine at codon 388 is replaced by threonine, an amino acid with similar properties. This amino acid position is conserved. In addition, this alteration is predicted to be tolerated by in silico analysis. Based on the available evidence, the clinical significance of this variant remains unclear.

NM_000455.5(STK11):c.1163A>C (p.Lys388Thr)

Gene: STK11 (serine/threonine kinase 11; plus strand). Cytogenetic location: 19p13.3.
Variant type: single nucleotide variant.
Coding change: c.1163A>C on transcript NM_000455.5 (MANE Select); coding-DNA position 1163, A replaced by C.
Protein change: p.Lys388Thr; replaces lysine 388 with threonine.
Molecular consequence: missense variant. On other transcripts: non-coding transcript variant (1).
Genome position (GRCh38, 1-based): chr19:1,226,508, A>C. VCF-style: chr19-1226508-A-C. GRCh37 (hg19) VCF-style: chr19-1226507-A-C.
Other names: short protein forms K388T.
Identifiers: ClinVar variation 4832905 (VCV004832905.1).